The following is an entry in ClinVar:

NM_001244926.2(PRPF4):c.1240T>A (p.Phe414Ile)

Gene: PRPF4 (pre-mRNA splicing tri-snRNP complex factor PRPF4; plus strand). Cytogenetic location: 9q32.
Variant type: single nucleotide variant.
Coding change: c.1240T>A on transcript NM_001244926.2 (MANE Select); coding-DNA position 1240, T replaced by A.
Protein change: p.Phe414Ile; replaces phenylalanine 414 with isoleucine.
Molecular consequence: missense variant. On other transcripts: non-coding transcript variant (2).
Genome position (GRCh38, 1-based): chr9:113,290,794, T>A. VCF-style: chr9-113290794-T-A. GRCh37 (hg19) VCF-style: chr9-116053074-T-A.
Other names: c.514T>A, p.Phe172Ile (NM_001322266.2, NM_001322267.2); c.1243T>A, p.Phe415Ile (NM_004697.5); short protein forms F414I, F415I, F172I.
Identifiers: ClinVar variation 2806071 (VCV002806071.3), dbSNP rs2490841792, ClinGen allele CA374555480.
Genomic context (GRCh38, chr9:113,290,794, plus strand): 5'-CGCACAGGACGTTGTATCATGTTCTTAGAAGGCCACCTGAAAGAAATCTATGGAATAAAT[T>A]TCTCCCCCAATGGGTAAAATAAACACACTGAATGAGGGGCGAAAAAGGGTTCTGGGTCAG-3'
Protein context (NP_001231855.1, residues 404-424): GHLKEIYGIN[Phe414Ile]SPNGYHIATG

ClinVar aggregate classification (germline): Uncertain significance (1 of 4 stars; one submission).

Submission:

Labcorp Genetics (formerly Invitae), Labcorp
Classification: Uncertain significance. Last evaluated: 2024-01-11. Review status: criteria provided, single submitter. Criteria: Invitae Variant Classification Sherloc (09022015). Collection method: clinical testing. Allele origin: germline.
Comment: This sequence change replaces phenylalanine, which is neutral and non-polar, with isoleucine, which is neutral and non-polar, at codon 415 of the PRPF4 protein (p.Phe415Ile). This variant is not present in population databases (gnomAD no frequency). This variant has not been reported in the literature in individuals affected with PRPF4-related conditions. An algorithm developed to predict the effect of missense changes on protein structure and function (PolyPhen-2) suggests that this variant is likely to be disruptive. In summary, the available evidence is currently insufficient to determine the role of this variant in disease. Therefore, it has been classified as a Variant of Uncertain Significance.